The following is an entry in ClinVar:

NM_152703.5(SAMD9L):c.4481A>C (p.Glu1494Ala)

Gene: SAMD9L (sterile alpha motif domain containing 9 like; minus strand). Cytogenetic location: 7q21.2.
Variant type: single nucleotide variant.
Coding change: c.4481A>C on transcript NM_152703.5 (MANE Select); coding-DNA position 4481, A replaced by C.
Protein change: p.Glu1494Ala; replaces glutamic acid 1494 with alanine.
Molecular consequence: missense variant.
Genome position (GRCh38, 1-based): chr7:93,131,491, T>G on the plus strand (A>C on the coding strand, the complement: SAMD9L is on the minus strand). VCF-style: chr7-93131491-T-G. GRCh37 (hg19) VCF-style: chr7-92760804-T-G.
Other names: c.4481A>C, p.Glu1494Ala (NM_001303496.3, NM_001303497.3, NM_001303498.3 and 5 more transcripts); short protein forms E1494A.
Identifiers: ClinVar variation 3792275 (VCV003792275.1).

ClinVar aggregate classification (germline): Uncertain significance (1 of 4 stars; one submission).

Conditions:
Inborn genetic diseases. Identifiers: MedGen C0950123, MeSH D030342.

Submission:

Ambry Genetics
Classification: Uncertain significance for Inborn genetic diseases. Last evaluated: 2025-01-05. Review status: criteria provided, single submitter. Criteria: Ambry Variant Classification Scheme 2023. Collection method: clinical testing. Allele origin: germline.
Comment: The p.E1494A variant (also known as c.4481A>C), located in coding exon 1 of the SAMD9L gene, results from an A to C substitution at nucleotide position 4481. The glutamic acid at codon 1494 is replaced by alanine, an amino acid with dissimilar properties. This amino acid position is conserved. In addition, this alteration is predicted to be tolerated by in silico analysis. Based on the available evidence, the clinical significance of this variant remains unclear.